The following is an entry in ClinVar:

NM_014283.5(SUCO):c.1972T>A (p.Tyr658Asn)

Gene: SUCO (SUN domain containing ossification factor; plus strand). Cytogenetic location: 1q24.3.
Variant type: single nucleotide variant.
Coding change: c.1972T>A on transcript NM_014283.5 (MANE Select); coding-DNA position 1972, T replaced by A.
Protein change: p.Tyr658Asn; replaces tyrosine 658 with asparagine.
Molecular consequence: missense variant. On other transcripts: intron variant (1).
Genome position (GRCh38, 1-based): chr1:172,589,073, T>A. VCF-style: chr1-172589073-T-A. GRCh37 (hg19) VCF-style: chr1-172558213-T-A.
Other names: c.283T>A, p.Tyr95Asn (NM_001282751.2); c.2425T>A, p.Tyr809Asn (NM_016227.4); c.1712+149T>A (NM_001282750.2); c.2425T>A (NM_016227.3); short protein forms Y809N, Y658N, Y95N.
Identifiers: ClinVar variation 707255 (VCV000707255.12), dbSNP rs76761114, ClinGen allele CA1246998.

ClinVar aggregate classification (germline): Benign. Review status: criteria provided, multiple submitters, no conflicts (2 of 4 stars). 3 submissions from 3 submitters: Benign (2). 1 of the submissions does not count toward it. Last evaluated 2026-01-18.

Conditions:
SUCO-related disorder. Also called: SUCO-related condition.

Allele frequency attached by ClinVar (database versions not stated): gnomAD 0.00391 and 0.00423; ESP Exome Variant Server 0.00415; ExAC 0.00457; 1000 Genomes Project 30x 0.01046; gnomAD exomes 0.00388; TOPMed 0.00451; 1000 Genomes Project 0.00938.
gnomAD v4.1: 3,070 of 1,613,724 alleles (0.19%); highest among the groups gnomAD compares: South Asian, 1.9%; 45 homozygotes.

Submissions (3):

Labcorp Genetics (formerly Invitae), Labcorp
Classification: Benign. Last evaluated: 2026-01-18. Review status: criteria provided, single submitter. Criteria: Invitae Variant Classification Sherloc (09022015). Collection method: clinical testing. Allele origin: germline.

Breakthrough Genomics
Classification: Benign. Review status: criteria provided, single submitter. Criteria: ACMG Guidelines, 2015. Collection method: not provided. Allele origin: germline. Inheritance: Unknown mechanism. Affected: yes.

PreventionGenetics, part of Exact Sciences
Classification: Benign for SUCO-related condition. Last evaluated: 2020-01-02. Review status: no assertion criteria provided. Collection method: clinical testing. Allele origin: germline. Not counted in ClinVar's aggregate classification.
Comment: This variant is classified as benign based on ACMG/AMP sequence variant interpretation guidelines (Richards et al. 2015 PMID: 25741868, with internal and published modifications).